The following is an entry in ClinVar:

NM_001354604.2(MITF):c.1205A>T (p.His402Leu)

Gene: MITF (melanocyte inducing transcription factor; plus strand). Cytogenetic location: 3p13.
Variant type: single nucleotide variant.
Coding change: c.1205A>T on transcript NM_001354604.2 (MANE Select); coding-DNA position 1205, A replaced by T.
Protein change: p.His402Leu; replaces histidine 402 with leucine.
Molecular consequence: missense variant.
Genome position (GRCh38, 1-based): chr3:69,964,872, A>T. VCF-style: chr3-69964872-A-T. GRCh37 (hg19) VCF-style: chr3-70014023-A-T.
Other names: c.1031A>T, p.His344Leu (NM_001354608.2, NM_001184967.2); c.1184A>T, p.His395Leu (NM_006722.3, NM_001354606.2); c.866A>T, p.His289Leu (NM_198158.3); c.1187A>T, p.His396Leu (NM_198159.3); c.1139A>T, p.His380Leu (NM_198177.3); c.698A>T, p.His233Leu (NM_198178.3); c.884A>T, p.His295Leu (NM_000248.4); c.1202A>T, p.His401Leu (NM_001354605.2); and 1 more; short protein forms H380L, H395L, H295L, H289L, H344L, H379L, H396L, H402L.
Identifiers: ClinVar variation 2922092 (VCV002922092.3), dbSNP rs2471671683, ClinGen allele CA353559359.

ClinVar aggregate classification (germline): Uncertain significance (1 of 4 stars; one submission).

Conditions:
Tietz syndrome (TADS). Also called: HYPOPIGMENTATION/DEAFNESS OF TIETZ; ALBINISM-DEAFNESS OF TIETZ; TIETZ ALBINISM-DEAFNESS SYNDROME. Identifiers: Orphanet 42665, MedGen C0391816, MONDO:0007077, OMIM 103500.
Melanoma, cutaneous malignant, susceptibility to, 8. Also called: Cutaneous malignant melanoma 8; MELANOMA AND RENAL CELL CARCINOMA, SUSCEPTIBILITY TO. Identifiers: Orphanet 293822, MedGen C3152204, MONDO:0013759, OMIM 614456.
Waardenburg syndrome type 2A (WS2A). Also called: WAARDENBURG SYNDROME WITHOUT DYSTOPIA CANTHORUM. Identifiers: Orphanet 3440, MedGen C1860339, MONDO:0008671, OMIM 193510.

Submission:

Labcorp Genetics (formerly Invitae), Labcorp
Classification: Uncertain significance for Melanoma, cutaneous malignant, susceptibility to, 8; Waardenburg syndrome type 2A; Tietz syndrome. Last evaluated: 2024-01-10. Review status: criteria provided, single submitter. Criteria: Invitae Variant Classification Sherloc (09022015). Collection method: clinical testing. Allele origin: germline.
Comment: This sequence change replaces histidine, which is basic and polar, with leucine, which is neutral and non-polar, at codon 295 of the MITF protein (p.His295Leu). This variant is not present in population databases (gnomAD no frequency). This variant has not been reported in the literature in individuals affected with MITF-related conditions. Advanced modeling of protein sequence and biophysical properties (such as structural, functional, and spatial information, amino acid conservation, physicochemical variation, residue mobility, and thermodynamic stability) performed at Invitae indicates that this missense variant is expected to disrupt MITF protein function with a positive predictive value of 80%. In summary, the available evidence is currently insufficient to determine the role of this variant in disease. Therefore, it has been classified as a Variant of Uncertain Significance.